The following is an entry in ClinVar:

NM_003803.4(MYOM1):c.1660G>C (p.Asp554His)

Gene: MYOM1 (myomesin 1; minus strand). Cytogenetic location: 18p11.31.
Variant type: single nucleotide variant.
Coding change: c.1660G>C on transcript NM_003803.4 (MANE Select); coding-DNA position 1660, G replaced by C.
Protein change: p.Asp554His; replaces aspartic acid 554 with histidine.
Molecular consequence: missense variant.
Genome position (GRCh38, 1-based): chr18:3,151,877, C>G on the plus strand (G>C on the coding strand, the complement: MYOM1 is on the minus strand). VCF-style: chr18-3151877-C-G. GRCh37 (hg19) VCF-style: chr18-3151875-C-G.
Other names: c.1660G>C, p.Asp554His (NM_019856.2); short protein forms D554H.
Identifiers: ClinVar variation 1777484 (VCV001777484.4), dbSNP rs1212581415, ClinGen allele CA401714375.
Genomic context (GRCh38, chr18:3,151,877, plus strand): 5'-ATCCAGTGACAGGAAAACGAGCAAACTTCACAGGTGTGTCATTGCACTGCGACCAGCTAT[C>G]TGTGCCCACCTCACACCTAAAGGAATGAGCGTGATTGACAAAAATATTAAAAGAAGTATG-3'
Protein context (NP_003794.3, residues 544-564): YFIDKCEVGT[Asp554His]SWSQCNDTPV

ClinVar aggregate classification (germline): Uncertain significance. Review status: criteria provided, multiple submitters, no conflicts (2 of 4 stars). 2 submissions from 2 submitters: Uncertain significance (2). Last evaluated 2026-01-13.

Conditions:
Hypertrophic cardiomyopathy. Also called: HYPERTROPHIC MYOCARDIOPATHY. Identifiers: Orphanet 217569, MedGen C0007194, MeSH D002312, MONDO:0005045, HP:0001639.

Allele frequency attached by ClinVar (database versions not stated): gnomAD 0.00003; TOPMed 0.00003.
gnomAD v4.1: 53 of 1,612,390 alleles (0.0033%); highest among the groups gnomAD compares: Non-Finnish European, 0.0042%; no homozygotes.

Submissions (2):

Labcorp Genetics (formerly Invitae), Labcorp
Classification: Uncertain significance for Hypertrophic cardiomyopathy. Last evaluated: 2026-01-13. Review status: criteria provided, single submitter. Criteria: Invitae Variant Classification Sherloc (09022015). Collection method: clinical testing. Allele origin: germline.
Comment: This sequence change replaces aspartic acid, which is acidic and polar, with histidine, which is basic and polar, at codon 554 of the MYOM1 protein (p.Asp554His). This variant is present in population databases (no rsID available, gnomAD 0.002%). This variant has not been reported in the literature in individuals affected with MYOM1-related conditions. ClinVar contains an entry for this variant (Variation ID: 1777484). Invitae Evidence Modeling of protein sequence and biophysical properties (such as structural, functional, and spatial information, amino acid conservation, physicochemical variation, residue mobility, and thermodynamic stability) indicates that this missense variant is not expected to disrupt MYOM1 protein function with a negative predictive value of 80%. In summary, the available evidence is currently insufficient to determine the role of this variant in disease. Therefore, it has been classified as a Variant of Uncertain Significance.

Ambry Genetics
Classification: Uncertain significance. Last evaluated: 2025-10-27. Review status: criteria provided, single submitter. Criteria: Ambry Variant Classification Scheme 2023. Collection method: clinical testing. Allele origin: germline.
Comment: The p.D554H variant (also known as c.1660G>C), located in coding exon 11 of the MYOM1 gene, results from a G to C substitution at nucleotide position 1660. The aspartic acid at codon 554 is replaced by histidine, an amino acid with similar properties. This amino acid position is conserved. In addition, this alteration is predicted to be tolerated by in silico analysis. Since supporting evidence is limited at this time, the clinical significance of this alteration remains unclear.